The following is an entry in ClinVar:

ClinVar aggregate classification (germline): Benign/Likely benign. Review status: criteria provided, multiple submitters, no conflicts (2 of 4 stars). 4 submissions from 4 submitters: Benign (1); Likely benign (3). Last evaluated 2026-05-13.

Conditions:
AFF3-related disorder. Also called: AFF3-related condition.

Allele frequency attached by ClinVar (database versions not stated): 1000 Genomes Project 0.00020; 1000 Genomes Project 30x 0.00031; TOPMed 0.00102; gnomAD 0.00119; ExAC 0.00173; ESP Exome Variant Server 0.00177; gnomAD exomes 0.00178.
gnomAD v4.1: 2,745 of 1,614,206 alleles (0.17%); highest among the groups gnomAD compares: Non-Finnish European, 0.22%; 3 homozygotes.

Submissions (4):

Women's Health and Genetics/Laboratory Corporation of America, LabCorp
Classification: Benign. Last evaluated: 2026-05-13. Review status: criteria provided, single submitter. Criteria: LabCorp Variant Classification Summary - May 2015. Collection method: clinical testing. Allele origin: germline.

PreventionGenetics, part of Exact Sciences
Classification: Likely benign for AFF3-related condition. Last evaluated: 2026-04-23. Review status: criteria provided, single submitter. Criteria: ACMG Guidelines, 2015. Collection method: clinical testing. Allele origin: germline.
Comment: This variant is classified as likely benign based on ACMG/AMP sequence variant interpretation guidelines (Richards et al. 2015 PMID: 25741868, with internal and published modifications).

CeGaT Center for Human Genetics Tuebingen
Classification: Likely benign. Last evaluated: 2025-10-01. Review status: criteria provided, single submitter. Criteria: CeGaT Center For Human Genetics Tuebingen Variant Classification Criteria Version 2. Collection method: clinical testing. Allele origin: germline. Affected: yes. Observed: 7 variant alleles.
Comment: AFF3: BP4, BP7

Blueprint Genetics
Classification: Likely benign. Last evaluated: 2024-11-26. Review status: criteria provided, single submitter. Criteria: ACMG Guidelines, 2015. Collection method: clinical testing. Allele origin: germline.

NM_001386135.1(AFF3):c.771C>T (p.Thr257=)

Gene: AFF3 (ALF transcription elongation factor 3; minus strand). Cytogenetic location: 2q11.2.
Variant type: single nucleotide variant.
Coding change: c.771C>T on transcript NM_001386135.1 (MANE Select); coding-DNA position 771, C replaced by T.
Protein change: p.Thr257=; no amino-acid change (threonine 257 retained).
Molecular consequence: synonymous variant.
Genome position (GRCh38, 1-based): chr2:100,006,734, G>A on the plus strand (C>T on the coding strand, the complement: AFF3 is on the minus strand). VCF-style: chr2-100006734-G-A. GRCh37 (hg19) VCF-style: chr2-100623196-G-A.
Other names: c.846C>T, p.Thr282= (NM_001025108.2); c.771C>T, p.Thr257= (NM_002285.3); c.771C>T (NM_002285.2).
Identifiers: ClinVar variation 2651198 (VCV002651198.27), dbSNP rs113788504, ClinGen allele CA1801438.